The following is an entry in ClinVar:

NM_025179.4(PLXNA2):c.3428C>T (p.Pro1143Leu)

Gene: PLXNA2 (plexin A2; minus strand). Cytogenetic location: 1q32.2.
Variant type: single nucleotide variant.
Coding change: c.3428C>T on transcript NM_025179.4 (MANE Select); coding-DNA position 3428, C replaced by T.
Protein change: p.Pro1143Leu; replaces proline 1143 with leucine.
Molecular consequence: missense variant.
Genome position (GRCh38, 1-based): chr1:208,045,945, G>A on the plus strand (C>T on the coding strand, the complement: PLXNA2 is on the minus strand). VCF-style: chr1-208045945-G-A. GRCh37 (hg19) VCF-style: chr1-208219290-G-A.
Other names: short protein forms P1143L.
Identifiers: ClinVar variation 4985857 (VCV004985857.1).

ClinVar aggregate classification (germline): Uncertain significance (1 of 4 stars; one submission).

Conditions:
PLXNA2-related disorder. Also called: PLXNA2-related condition.

gnomAD v4.1: 3 of 1,614,226 alleles (0.00019%); highest among the groups gnomAD compares: Non-Finnish European, 0.00025%; no homozygotes.

Submission:

PreventionGenetics, part of Exact Sciences
Classification: Uncertain significance for PLXNA2-related condition. Last evaluated: 2025-08-27. Review status: criteria provided, single submitter. Criteria: ACMG Guidelines, 2015. Collection method: clinical testing. Allele origin: germline.
Comment: The PLXNA2 c.3428C>T variant is predicted to result in the amino acid substitution p.Pro1143Leu. To our knowledge, this variant has not been reported in the literature or in a large population database (gnomAD), indicating this variant is rare. At this time, the clinical significance of this variant is uncertain due to the absence of conclusive functional and genetic evidence.